The following is an entry in ClinVar:

ClinVar aggregate classification (germline): Uncertain significance (1 of 4 stars; one submission).

gnomAD v4.1: 1 of 1,612,338 alleles (0.000062%); highest among the groups gnomAD compares: Non-Finnish European, 0.000085%; no homozygotes.

Submission:

Ambry Genetics
Classification: Uncertain significance. Last evaluated: 2025-04-07. Review status: criteria provided, single submitter. Criteria: Ambry Variant Classification Scheme 2023. Collection method: clinical testing. Allele origin: germline.
Comment: The p.Y996C variant (also known as c.2987A>G), located in coding exon 18 of the MYOM1 gene, results from an A to G substitution at nucleotide position 2987. The tyrosine at codon 996 is replaced by cysteine, an amino acid with highly dissimilar properties. This amino acid position is conserved. In addition, this alteration is predicted to be deleterious by in silico analysis. Based on the available evidence, the clinical significance of this variant remains unclear.

NM_003803.4(MYOM1):c.2987A>G (p.Tyr996Cys)

Gene: MYOM1 (myomesin 1; minus strand). Cytogenetic location: 18p11.31.
Variant type: single nucleotide variant.
Coding change: c.2987A>G on transcript NM_003803.4 (MANE Select); coding-DNA position 2987, A replaced by G.
Protein change: p.Tyr996Cys; replaces tyrosine 996 with cysteine.
Molecular consequence: missense variant.
Genome position (GRCh38, 1-based): chr18:3,126,705, T>C on the plus strand (A>G on the coding strand, the complement: MYOM1 is on the minus strand). VCF-style: chr18-3126705-T-C. GRCh37 (hg19) VCF-style: chr18-3126703-T-C.
Other names: c.2699A>G, p.Tyr900Cys (NM_019856.2); short protein forms Y900C, Y996C.
Identifiers: ClinVar variation 3916547 (VCV003916547.1).